The following is an entry in ClinVar:

ClinVar aggregate classification (germline): Conflicting classifications of pathogenicity. Review status: criteria provided, conflicting classifications (1 of 4 stars). 9 submissions from 9 submitters: Pathogenic (5); Likely pathogenic (3); Uncertain significance (1). Last evaluated 2026-09-04.

Conditions:
POP1-related disorder. Also called: POP1-related condition.
Fetal anomalies with a likely genetic cause.
Anauxetic dysplasia 2 (ANXD2). Identifiers: MedGen C4479357, MONDO:0054561, OMIM 617396.
Inborn genetic diseases. Identifiers: MedGen C0950123, MeSH D030342.

Allele frequency attached by ClinVar (database versions not stated): TOPMed 0.00016; ExAC 0.00017; gnomAD exomes 0.00019; gnomAD 0.00021; ESP Exome Variant Server 0.00023.
gnomAD v4.1: 463 of 1,613,778 alleles (0.029%); highest among the groups gnomAD compares: Non-Finnish European, 0.036%; no homozygotes.

Submissions (9):

GeneDx
Classification: Likely pathogenic. Last evaluated: 2026-09-04. Review status: criteria provided, single submitter. Criteria: GeneDx Variant Classification Process June 2021. Collection method: clinical testing. Allele origin: germline.
Comment: Nonsense variant predicted to result in protein truncation or nonsense mediated decay in a gene for which loss of function is a known mechanism of disease; This variant is associated with the following publications: (PMID: 25525159, 34426522, 28067412, 29691392, 21455487)

Genetics Laboratory, Great Ormond Street Hospital NHS Foundation Trust, North Thames Genomic Laboratory Hub
Classification: Pathogenic for Fetal anomalies with a likely genetic cause. Last evaluated: 2026-09-03. Review status: criteria provided, single submitter. Criteria: ACGS Best Practice Guidelines for Variant Classification in Rare Disease 2024 v1.2. Collection method: clinical testing. Allele origin: germline. Affected: yes.
Comment: PS4_moderate, PVS1_very-strong

Dasa
Classification: Pathogenic. Last evaluated: 2026-02-12. Review status: criteria provided, single submitter. Criteria: DASA Assertion Criteria. Collection method: clinical testing. Allele origin: germline.
Comment: NM_001145860.2(POP1):c.1537C>T (p.Arg513*) introduces a premature termination codon predicted to result in loss of normal protein function. Loss-of-function is an established mechanism of disease for this gene. Segregation evidence has been reported in affected families. This variant has been observed in affected individuals with related phenotype in a genotype context consistent with recessive disease (PMID: 21455487). This variant has been reported in individuals with related phenotype (PMID: 21455487). The variant is present at low frequency in population datasets. Based on the available data, this variant is classified as pathogenic.

PreventionGenetics, part of Exact Sciences
Classification: Likely pathogenic for POP1-related condition. Last evaluated: 2026-01-20. Review status: criteria provided, single submitter. Criteria: ACMG Guidelines, 2015. Collection method: clinical testing. Allele origin: germline.
Comment: The POP1 c.1537C>T variant is predicted to result in premature protein termination (p.Arg513*). This variant has been reported in the compound heterozygous state in two siblings with skeletal dysplasia (Glazov et al. 2011. PubMed ID: 21455487). This variant is reported in 0.030% of alleles in individuals of European (Non-Finnish) descent in gnomAD. Nonsense variants in POP1 are expected to be pathogenic. This variant is interpreted as likely pathogenic.

Labcorp Genetics (formerly Invitae), Labcorp
Classification: Pathogenic. Last evaluated: 2025-08-29. Review status: criteria provided, single submitter. Criteria: Invitae Variant Classification Sherloc (09022015). Collection method: clinical testing. Allele origin: germline.
Comment: This sequence change creates a premature translational stop signal (p.Arg513*) in the POP1 gene. It is expected to result in an absent or disrupted protein product. Loss-of-function variants in POP1 are known to be pathogenic (PMID: 21455487). This variant is present in population databases (rs149102421, gnomAD 0.03%). This premature translational stop signal has been observed in individual(s) with clinical features of anauxetic dysplasia (PMID: 21455487). It has also been observed to segregate with disease in related individuals. ClinVar contains an entry for this variant (Variation ID: 1029341). For these reasons, this variant has been classified as Pathogenic.

Ambry Genetics
Classification: Pathogenic for Inborn genetic diseases. Last evaluated: 2022-11-15. Review status: criteria provided, single submitter. Criteria: Ambry Variant Classification Scheme 2023. Collection method: clinical testing. Allele origin: germline.
Comment: The c.1537C>T (p.R513*) alteration, located in exon 11 (coding exon 10) of the POP1 gene, consists of a C to T substitution at nucleotide position 1537. This changes the amino acid from an arginine (R) to a stop codon at amino acid position 513. This alteration is expected to result in loss of function by premature protein truncation or nonsense-mediated mRNA decay. This variant has been reported in trans with a second POP1 variant in two siblings with anauxetic dysplasia (Glazov, 2011). Based on the available evidence, this alteration is classified as pathogenic.

Foundation for Research in Genetics and Endocrinology, FRIGE's Institute of Human Genetics
Classification: Uncertain significance for Anauxetic dysplasia 2. Last evaluated: 2021-12-30. Review status: criteria provided, single submitter. Criteria: ACMG Guidelines, 2015. Collection method: clinical testing. Allele origin: germline. Inheritance: Autosomal recessive inheritance. Affected: yes. Observed: 1 heterozygote.
Comment: A heterozygous nonsense variation in exon 11 of the POP1 gene that results in a stop codon and premature truncation of the protein at codon 513 was detected. The observed variant c.1537C>T (p.Arg513Ter) has previously been reported in patient with anauxetic dysplasia. This variant has not been reported in the 1000 genomes database and has a minor allele frequency of 0.02% in the gnomAD databases. The in silico prediction of the variant is damaging by MutationTaster2. The reference codon is conserved across species.

Revvity Omics, Revvity
Classification: Likely pathogenic for Anauxetic dysplasia 2. Last evaluated: 2021-03-17. Review status: criteria provided, single submitter. Criteria: ACMG Guidelines, 2015. Collection method: clinical testing. Allele origin: germline.

Baylor Genetics
Classification: Pathogenic for Anauxetic dysplasia 2. Last evaluated: 2020-12-21. Review status: criteria provided, single submitter. Criteria: ACMG Guidelines, 2015. Collection method: clinical testing. Allele origin: unknown. Affected: yes.
Comment: This variant was determined to be pathogenic according to ACMG Guidelines, 2015 [PMID:25741868].

Literature cited by the submitters: PubMed 21455487 (cited by 3 submitters); PubMed 21534943 (cited by Ambry Genetics); PubMed 28067412 (cited by Ambry Genetics).

NM_001145860.2(POP1):c.1537C>T (p.Arg513Ter)

Gene: POP1 (POP1 ribonuclease P/MRP subunit; plus strand). Cytogenetic location: 8q22.2.
Variant type: single nucleotide variant.
Coding change: c.1537C>T on transcript NM_001145860.2 (MANE Select); coding-DNA position 1537, C replaced by T.
Protein change: p.Arg513Ter; replaces arginine 513 with a stop codon.
Molecular consequence: nonsense.
Genome position (GRCh38, 1-based): chr8:98,140,831, C>T. VCF-style: chr8-98140831-C-T. GRCh37 (hg19) VCF-style: chr8-99153059-C-T.
Other names: p.Arg513Ter; c.1537C>T, p.Arg513Ter (NM_001145861.2, NM_015029.3); short protein forms R513*.
Identifiers: ClinVar variation 1029341 (VCV001029341.17), dbSNP rs149102421, ClinGen allele CA4820614.